The following is an entry in ClinVar:

ClinVar aggregate classification (germline): Conflicting classifications of pathogenicity. Review status: criteria provided, conflicting classifications (1 of 4 stars). 4 submissions from 4 submitters: Uncertain significance (3); Likely benign (1). Last evaluated 2026-04-07.

Conditions:
Inborn genetic diseases. Identifiers: MedGen C0950123, MeSH D030342.
Ullrich congenital muscular dystrophy 2 (UCMD2). Identifiers: Orphanet 75840, MedGen C4225314, MONDO:0014654, OMIM 616470.
Bethlem myopathy 2 (BTHLM2). Identifiers: Orphanet 536516, Orphanet 610, MedGen C4225313, MONDO:0034022, OMIM 616471.

Allele frequency attached by ClinVar (database versions not stated): gnomAD 0.00001; ExAC 0.00002; gnomAD exomes 0.00002; TOPMed 0.00002.
gnomAD v4.1: 63 of 1,613,756 alleles (0.0039%); highest among the groups gnomAD compares: South Asian, 0.0066%; no homozygotes.

Submissions (4):

Women's Health and Genetics/Laboratory Corporation of America, LabCorp
Classification: Uncertain significance. Last evaluated: 2026-04-07. Review status: criteria provided, single submitter. Criteria: LabCorp Variant Classification Summary - May 2015. Collection method: clinical testing. Allele origin: germline.

Labcorp Genetics (formerly Invitae), Labcorp
Classification: Likely benign for Bethlem myopathy 2; Ullrich congenital muscular dystrophy 2. Last evaluated: 2025-12-15. Review status: criteria provided, single submitter. Criteria: Invitae Variant Classification Sherloc (09022015). Collection method: clinical testing. Allele origin: germline.

Ambry Genetics
Classification: Uncertain significance for Inborn genetic diseases. Last evaluated: 2025-11-20. Review status: criteria provided, single submitter. Criteria: Ambry Variant Classification Scheme 2023. Collection method: clinical testing. Allele origin: germline.

CeGaT Center for Human Genetics Tuebingen
Classification: Uncertain significance. Last evaluated: 2024-01-01. Review status: criteria provided, single submitter. Criteria: CeGaT Center For Human Genetics Tuebingen Variant Classification Criteria Version 2. Collection method: clinical testing. Allele origin: germline. Affected: yes. Observed: 1 variant allele.
Comment: COL12A1: PM2:Supporting

NM_004370.6(COL12A1):c.8812C>T (p.Arg2938Cys)

Gene: COL12A1 (collagen type XII alpha 1 chain; minus strand). Cytogenetic location: 6q13.
Variant type: single nucleotide variant.
Coding change: c.8812C>T on transcript NM_004370.6 (MANE Select); coding-DNA position 8812, C replaced by T.
Protein change: p.Arg2938Cys; replaces arginine 2938 with cysteine.
Molecular consequence: missense variant.
Genome position (GRCh38, 1-based): chr6:75,090,239, G>A on the plus strand (C>T on the coding strand, the complement: COL12A1 is on the minus strand). VCF-style: chr6-75090239-G-A. GRCh37 (hg19) VCF-style: chr6-75799955-G-A.
Other names: c.5320C>T, p.Arg1774Cys (NM_080645.3); short protein forms R1774C, R2938C.
Identifiers: ClinVar variation 647013 (VCV000647013.35), dbSNP rs778941390, ClinGen allele CA3892104.